The following is an entry in ClinVar:

NM_004130.4(GYG1):c.109G>A (p.Val37Met)

Gene: GYG1 (glycogenin 1; plus strand). Cytogenetic location: 3q24.
Variant type: single nucleotide variant.
Coding change: c.109G>A on transcript NM_004130.4 (MANE Select); coding-DNA position 109, G replaced by A.
Protein change: p.Val37Met; replaces valine 37 with methionine.
Molecular consequence: missense variant.
Genome position (GRCh38, 1-based): chr3:148,994,243, G>A. VCF-style: chr3-148994243-G-A. GRCh37 (hg19) VCF-style: chr3-148712030-G-A.
Other names: c.109G>A (NM_004130.3); c.109G>A, p.Val37Met (NM_001184720.2, NM_001184721.2); short protein forms V37M.
Identifiers: ClinVar variation 1468775 (VCV001468775.6), dbSNP rs913039791, ClinGen allele CA85546157.
Genomic context (GRCh38, chr3:148,994,243, plus strand): 5'-AAAGGTGCCCTGGTCCTGGGATCATCTCTGAAACAGCACAGGACCACCAGGAGGCTGGTC[G>A]TGCTCGCCACCCCTCAGGTCTCAGACTCCATGAGGTGAGGACCTCGCTGCCACCCCAGCA-3'
Protein context (NP_004121.2, residues 27-47): KQHRTTRRLV[Val37Met]LATPQVSDSM

ClinVar aggregate classification (germline): Uncertain significance. Review status: criteria provided, multiple submitters, no conflicts (2 of 4 stars). 3 submissions from 3 submitters: Uncertain significance (3). Last evaluated 2025-08-29.

Conditions:
Polyglucosan body myopathy type 2. Identifiers: Orphanet 456369, MedGen C4015452, MONDO:0014526, OMIM 616199.
Glycogen storage disease XV (GSD15). Also called: GLYCOGENIN DEFICIENCY; GSD XV. Identifiers: Orphanet 263297, MedGen C3150754, MONDO:0013291, OMIM 613507.
Inborn genetic diseases. Identifiers: MedGen C0950123, MeSH D030342.

Allele frequency attached by ClinVar (database versions not stated): gnomAD 0.00001; gnomAD exomes 0.00001; TOPMed 0.00004.
gnomAD v4.1: 12 of 1,613,888 alleles (0.00074%); highest among the groups gnomAD compares: African/African-American, 0.004%; no homozygotes.

Submissions (3):

Ambry Genetics
Classification: Uncertain significance for Inborn genetic diseases. Last evaluated: 2025-08-29. Review status: criteria provided, single submitter. Criteria: Ambry Variant Classification Scheme 2023. Collection method: clinical testing. Allele origin: germline.

Labcorp Genetics (formerly Invitae), Labcorp
Classification: Uncertain significance for Polyglucosan body myopathy type 2; Glycogen storage disease XV. Last evaluated: 2022-08-31. Review status: criteria provided, single submitter. Criteria: Invitae Variant Classification Sherloc (09022015). Collection method: clinical testing. Allele origin: germline.
Comment: In summary, the available evidence is currently insufficient to determine the role of this variant in disease. Therefore, it has been classified as a Variant of Uncertain Significance. Algorithms developed to predict the effect of missense changes on protein structure and function are either unavailable or do not agree on the potential impact of this missense change (SIFT: "Deleterious"; PolyPhen-2: "Possibly Damaging"; Align-GVGD: "Class C0"). ClinVar contains an entry for this variant (Variation ID: 1468775). This variant has not been reported in the literature in individuals affected with GYG1-related conditions. This variant is not present in population databases (gnomAD no frequency). This sequence change replaces valine, which is neutral and non-polar, with methionine, which is neutral and non-polar, at codon 37 of the GYG1 protein (p.Val37Met).

Blueprint Genetics
Classification: Uncertain significance. Last evaluated: 2020-10-07. Review status: criteria provided, single submitter. Criteria: ACMG Guidelines, 2015. Collection method: clinical testing. Allele origin: germline.